The following is an entry in ClinVar:

ClinVar aggregate classification (germline): Uncertain significance (1 of 4 stars; one submission).

Conditions:
Autoinflammation and autoimmunity with immune dysregulation 1. Also called: AUTOINFLAMMATION AND AUTOIMMUNITY, SYSTEMIC, WITH IMMUNE DYSREGULATION 1. Identifiers: MedGen CN381017, MONDO:0700391, OMIM 616414.

Submission:

3billion
Classification: Uncertain significance for Autoinflammation and autoimmunity with immune dysregulation 1. Last evaluated: 2025-09-18. Review status: criteria provided, single submitter. Criteria: ACMG Guidelines, 2015. Collection method: clinical testing. Allele origin: germline. Affected: yes.
Comment: The variant is not observed in the gnomAD v4.1.0 dataset. Predicted Consequence/Location: Missense variant. Missense changes are a common disease-causing mechanism. In silico tool predictions suggest damaging effect of the variant on gene or gene product [REVEL: 0.65 (>=0.6, sensitivity 0.68 and specificity 0.92)]. Therefore, this variant is classified as VUS according to the recommendation of ACMG/AMP guideline.

NM_004371.4(COPA):c.2057A>C (p.Asn686Thr)

Gene: COPA (coat protein complex I subunit alpha; minus strand). Cytogenetic location: 1q23.2.
Variant type: single nucleotide variant.
Coding change: c.2057A>C on transcript NM_004371.4 (MANE Select); coding-DNA position 2057, A replaced by C.
Protein change: p.Asn686Thr; replaces asparagine 686 with threonine.
Molecular consequence: missense variant.
Genome position (GRCh38, 1-based): chr1:160,297,666, T>G on the plus strand (A>C on the coding strand, the complement: COPA is on the minus strand). VCF-style: chr1-160297666-T-G. GRCh37 (hg19) VCF-style: chr1-160267456-T-G.
Other names: c.2084A>C, p.Asn695Thr (NM_001098398.2); short protein forms N686T, N695T.
Identifiers: ClinVar variation 4855024 (VCV004855024.1).